The following is an entry in ClinVar:

ClinVar aggregate classification (germline): Uncertain significance (1 of 4 stars; one submission).

Conditions:
Combined oxidative phosphorylation defect type 17. Also called: Combined oxidative phosphorylation deficiency 17. Identifiers: Orphanet 369913, MedGen C3809526, MONDO:0014190, OMIM 615440.

gnomAD v4.1: 1 of 1,613,410 alleles (0.000062%); highest among the groups gnomAD compares: Non-Finnish European, 0.000085%; no homozygotes.

Submission:

Labcorp Genetics (formerly Invitae), Labcorp
Classification: Uncertain significance for Combined oxidative phosphorylation defect type 17. Last evaluated: 2022-03-29. Review status: criteria provided, single submitter. Criteria: Invitae Variant Classification Sherloc (09022015). Collection method: clinical testing. Allele origin: germline.
Comment: In summary, the available evidence is currently insufficient to determine the role of this variant in disease. Therefore, it has been classified as a Variant of Uncertain Significance. Algorithms developed to predict the effect of missense changes on protein structure and function output the following: SIFT: "Tolerated"; PolyPhen-2: "Benign"; Align-GVGD: "Class C0". The glutamine amino acid residue is found in multiple mammalian species, which suggests that this missense change does not adversely affect protein function. This variant has not been reported in the literature in individuals affected with ELAC2-related conditions. This variant is not present in population databases (gnomAD no frequency). This sequence change replaces proline, which is neutral and non-polar, with glutamine, which is neutral and polar, at codon 473 of the ELAC2 protein (p.Pro473Gln).

NM_018127.7(ELAC2):c.1418C>A (p.Pro473Gln)

Gene: ELAC2 (elaC ribonuclease Z 2; minus strand). Cytogenetic location: 17p12.
Variant type: single nucleotide variant.
Coding change: c.1418C>A on transcript NM_018127.7 (MANE Select); coding-DNA position 1418, C replaced by A.
Protein change: p.Pro473Gln; replaces proline 473 with glutamine.
Molecular consequence: missense variant.
Genome position (GRCh38, 1-based): chr17:13,000,161, G>T on the plus strand (C>A on the coding strand, the complement: ELAC2 is on the minus strand). VCF-style: chr17-13000161-G-T. GRCh37 (hg19) VCF-style: chr17-12903478-G-T.
Other names: c.1298C>A, p.Pro433Gln (NM_001165962.2); c.1415C>A, p.Pro472Gln (NM_173717.2); short protein forms P472Q, P433Q, P473Q.
Identifiers: ClinVar variation 1959318 (VCV001959318.5), dbSNP rs1472003664, ClinGen allele CA398224825.
Genomic context (GRCh38, chr17:13,000,161, plus strand): 5'-CAGCAGCAGGGGCAGAGCCCAGGAAAGAAAGGCTGCTCTGTGGGCTCCCACTCACCTGCT[G>T]GGGCTGGGCCGTCCTGCGCACTCCTCCTGTACTCCTGCACGCTCTGCTGGAAGTTGGGAA-3'
Protein context (NP_060597.4, residues 463-483): YRRSAQDGPA[Pro473Gln]AEKRSQYPEI